The following is an entry in ClinVar:

NM_000426.4(LAMA2):c.7508G>T (p.Arg2503Ile)

Gene: LAMA2 (laminin subunit alpha 2; plus strand). Cytogenetic location: 6q22.33.
Variant type: single nucleotide variant.
Coding change: c.7508G>T on transcript NM_000426.4 (MANE Select); coding-DNA position 7508, G replaced by T.
Protein change: p.Arg2503Ile; replaces arginine 2503 with isoleucine.
Molecular consequence: missense variant.
Genome position (GRCh38, 1-based): chr6:129,478,749, G>T. VCF-style: chr6-129478749-G-T. GRCh37 (hg19) VCF-style: chr6-129799894-G-T.
Other names: c.7496G>T, p.Arg2499Ile (NM_001079823.2); short protein forms R2499I, R2503I.
Identifiers: ClinVar variation 3716893 (VCV003716893.1).

ClinVar aggregate classification (germline): Uncertain significance (1 of 4 stars; one submission).

Conditions:
LAMA2-related muscular dystrophy (LAMA2-RD). Also called: Laminin alpha 2-related dystrophy. Identifiers: MedGen C5679788, MONDO:0100228.

Submission:

Labcorp Genetics (formerly Invitae), Labcorp
Classification: Uncertain significance for LAMA2-related muscular dystrophy. Last evaluated: 2024-11-28. Review status: criteria provided, single submitter. Criteria: Invitae Variant Classification Sherloc (09022015). Collection method: clinical testing. Allele origin: germline.
Comment: This sequence change replaces arginine, which is basic and polar, with isoleucine, which is neutral and non-polar, at codon 2503 of the LAMA2 protein (p.Arg2503Ile). The frequency data for this variant in the population databases is considered unreliable, as metrics indicate poor data quality at this position in the gnomAD database. This variant has not been reported in the literature in individuals affected with LAMA2-related conditions. Invitae Evidence Modeling of protein sequence and biophysical properties (such as structural, functional, and spatial information, amino acid conservation, physicochemical variation, residue mobility, and thermodynamic stability) indicates that this missense variant is not expected to disrupt LAMA2 protein function with a negative predictive value of 95%. Algorithms developed to predict the effect of sequence changes on RNA splicing suggest that this variant may disrupt the consensus splice site. In summary, the available evidence is currently insufficient to determine the role of this variant in disease. Therefore, it has been classified as a Variant of Uncertain Significance.